The following is an entry in ClinVar:

NM_001110556.2(FLNA):c.5155A>C (p.Lys1719Gln)

Gene: FLNA (filamin A; minus strand). Cytogenetic location: Xq28.
Variant type: single nucleotide variant.
Coding change: c.5155A>C on transcript NM_001110556.2 (MANE Select); coding-DNA position 5155, A replaced by C.
Protein change: p.Lys1719Gln; replaces lysine 1719 with glutamine.
Molecular consequence: missense variant.
Genome position (GRCh38, 1-based): chrX:154,354,887, T>G on the plus strand (A>C on the coding strand, the complement: FLNA is on the minus strand). VCF-style: chrX-154354887-T-G. GRCh37 (hg19) VCF-style: chrX-153583255-T-G.
Other names: p.K1711Q:AAA>CAA; c.5131A>C, p.Lys1711Gln (NM_001456.4); short protein forms K1711Q, K1719Q.
Identifiers: ClinVar variation 213476 (VCV000213476.2), dbSNP rs863223624, ClinGen allele CA324699.

ClinVar aggregate classification (germline): Uncertain significance (1 of 4 stars; one submission).

Submission:

GeneDx
Classification: Uncertain significance. Last evaluated: 2014-02-26. Review status: criteria provided, single submitter. Criteria: GeneDx Variant Classification (06012015). Collection method: clinical testing. Allele origin: germline. Affected: yes.
Comment: p.Lys1711Gln (AAA>CAA): c.5131 A>C in exon 30 of the FLNA gene (NM_001456.3)A variant of unknown significance has been identified in the FLNA gene. The K1711Q variant has not been published as a mutation, nor has it been reported as a benign polymorphism to our knowledge. It was not observed in approximately 6,400 individuals of European and African American ancestry in the NHLBI Exome Sequencing Project, indicating it is not a common benign variant in these populations. The K1711Q variant is a semi-conservative amino acid substitution, which may impact secondary protein structure as these residues differ in some properties. This substitution occurs at a position that is conserved in mammals. A missense mutation in a nearby residue (G1720C) has been reported in association with frontometaphyseal dysplasia, supporting the functional importance of this region of the protein. However, in silico analysis is inconsistent in its predictions as to whether or not the K1711Q variant is damaging to the protein structure/function. Therefore, based on the currently available information, it is unclear whether this variant is a pathogenic mutation or a rare benign variant. This variant was found in CORTICAL-BRAIN